The following is an entry in ClinVar:

NM_000444.6(PHEX):c.732+1G>A

Gene: PHEX (phosphate regulating endopeptidase X-linked; plus strand). Cytogenetic location: Xp22.11.
Variant type: single nucleotide variant.
Coding change: c.732+1G>A on transcript NM_000444.6 (MANE Select); the canonical splice donor site of the intron after coding-DNA position 732, G replaced by A.
Molecular consequence: splice donor variant.
Genome position (GRCh38, 1-based): chrX:22,090,498, G>A. VCF-style: chrX-22090498-G-A. GRCh37 (hg19) VCF-style: chrX-22108616-G-A.
Other names: c.732+1G>A (NM_001282754.2).
Identifiers: ClinVar variation 2780460 (VCV002780460.4), dbSNP rs2147035585, ClinGen allele CA412572170.

ClinVar aggregate classification (germline): Pathogenic/Likely pathogenic. Review status: criteria provided, multiple submitters, no conflicts (2 of 4 stars). 2 submissions from 2 submitters: Pathogenic (1); Likely pathogenic (1). Last evaluated 2023-05-30.

Conditions:
PHEX-related disorder. Also called: PHEX-related condition.

Submissions (2):

Labcorp Genetics (formerly Invitae), Labcorp
Classification: Pathogenic. Last evaluated: 2023-05-30. Review status: criteria provided, single submitter. Criteria: Invitae Variant Classification Sherloc (09022015). Collection method: clinical testing. Allele origin: germline.
Comment: Studies have shown that disruption of this splice site results in skipping of exon 6, but is expected to preserve the integrity of the reading-frame (PMID: 32329911). Disruption of this splice site has been observed in individual(s) with hypophosphatemic rickets (PMID: 32329911). In at least one individual the variant was observed to be de novo. This variant is not present in population databases (gnomAD no frequency). This sequence change affects a donor splice site in intron 6 of the PHEX gene. RNA analysis indicates that disruption of this splice site induces altered splicing and likely results in a shortened protein product. For these reasons, this variant has been classified as Pathogenic.

Blueprint Genetics
Classification: Likely pathogenic for PHEX-related disorders. Last evaluated: 2020-05-12. Review status: criteria provided, single submitter. Criteria: ACMG Guidelines, 2015. Collection method: clinical testing. Allele origin: germline. Affected: yes. Observed: 1 variant allele.

Literature cited by the submitters: PubMed 32329911 (cited by Labcorp Genetics (formerly Invitae), Labcorp).